The following is an entry in ClinVar:

ClinVar aggregate classification (germline): Pathogenic. Review status: criteria provided, single submitter (1 of 4 stars). 2 submissions from 2 submitters: Pathogenic (1). 1 of the submissions does not count toward it. Last evaluated 2024-03-24.

Conditions:
Neutropenia, severe congenital, 1, autosomal dominant. Identifiers: MedGen C1859966, MONDO:0042490, OMIM 202700.
Cyclical neutropenia. Also called: Cyclic hematopoiesis; Cyclic Neutropenia. Identifiers: Orphanet 2686, MedGen C0221023, MONDO:0008090, OMIM 162800, HP:0040289. Disease mechanism: loss of function.

Submissions (2):

Labcorp Genetics (formerly Invitae), Labcorp
Classification: Pathogenic for Neutropenia, severe congenital, 1, autosomal dominant; Cyclical neutropenia. Last evaluated: 2024-03-24. Review status: criteria provided, single submitter. Criteria: Invitae Variant Classification Sherloc (09022015). Collection method: clinical testing. Allele origin: germline.
Comment: This sequence change creates a premature translational stop signal (p.Cys187*) in the ELANE gene. While this is not anticipated to result in nonsense mediated decay, it is expected to disrupt the last 81 amino acid(s) of the ELANE protein. This variant is not present in population databases (gnomAD no frequency). This premature translational stop signal has been observed in individuals with severe congenital neutropenia (PMID: 34340247). This variant is also known as p.C158X. ClinVar contains an entry for this variant (Variation ID: 208494). This variant is located in a region of the ELANE protein where a significant number of ELANE nonsense and -1/+2 frameshift mutations have been reported in association with autosomal dominant ELANE-related neutropenia (PMID: 33513358, 23463630, 34340247). For these reasons, this variant has been classified as Pathogenic.

Mendelics
Classification: Pathogenic for Severe congenital neutropenia autosomal dominant. Last evaluated: 2014-03-05. Review status: no assertion criteria provided. Collection method: clinical testing. Allele origin: unknown. Affected: yes. Not counted in ClinVar's aggregate classification.

Literature cited by the submitters: PubMed 34340247 (cited by Labcorp Genetics (formerly Invitae), Labcorp); PubMed 33513358 (cited by Labcorp Genetics (formerly Invitae), Labcorp); PubMed 23463630 (cited by Labcorp Genetics (formerly Invitae), Labcorp); PubMed 17053055 (cited by Mendelics); PubMed 20301705 (cited by Mendelics).

NM_001972.4(ELANE):c.561C>A (p.Cys187Ter)

Gene: ELANE (elastase, neutrophil expressed; plus strand). Cytogenetic location: 19p13.3.
Variant type: single nucleotide variant.
Coding change: c.561C>A on transcript NM_001972.4 (MANE Select); coding-DNA position 561, C replaced by A.
Protein change: p.Cys187Ter; replaces cysteine 187 with a stop codon.
Molecular consequence: nonsense.
Genome position (GRCh38, 1-based): chr19:855,758, C>A. VCF-style: chr19-855758-C-A. GRCh37 (hg19) VCF-style: chr19-855758-C-A.
Other names: short protein forms C187*.
Identifiers: ClinVar variation 208494 (VCV000208494.3), dbSNP rs797045009, ClinGen allele CA281501.